The following is an entry in ClinVar:

ClinVar aggregate classification (germline): Likely benign (1 of 4 stars; one submission).

gnomAD v4.1: 58 of 1,607,508 alleles (0.0036%); highest among the groups gnomAD compares: African/African-American, 0.013%; no homozygotes.

Submission:

CeGaT Center for Human Genetics Tuebingen
Classification: Likely benign. Last evaluated: 2025-07-01. Review status: criteria provided, single submitter. Criteria: CeGaT Center For Human Genetics Tuebingen Variant Classification Criteria Version 2. Collection method: clinical testing. Allele origin: germline. Affected: yes. Observed: 1 variant allele.
Comment: KIF21B: BP4

NM_001252102.2(KIF21B):c.389G>A (p.Arg130Gln)

Gene: KIF21B (kinesin family member 21B; minus strand). Cytogenetic location: 1q32.1.
Variant type: single nucleotide variant.
Coding change: c.389G>A on transcript NM_001252102.2 (MANE Select); coding-DNA position 389, G replaced by A.
Protein change: p.Arg130Gln; replaces arginine 130 with glutamine.
Molecular consequence: missense variant.
Genome position (GRCh38, 1-based): chr1:201,008,827, C>T on the plus strand (G>A on the coding strand, the complement: KIF21B is on the minus strand). VCF-style: chr1-201008827-C-T. GRCh37 (hg19) VCF-style: chr1-200977955-C-T.
Other names: c.389G>A, p.Arg130Gln (NM_001252100.2, NM_001252103.2, NM_017596.4); short protein forms R130Q.
Identifiers: ClinVar variation 4084082 (VCV004084082.8).
Genomic context (GRCh38, chr1:201,008,827, plus strand): 5'-ACCTCCAGAAACTGGGCGCTGACTTTGAACTCAGGTCCAGCCACGCCCTGCTCCTGTGCC[C>T]GGCGCTTGCGCTCGGCAATGCCCCCAAAGAGGTGTGCGATGGCCCTCGGGATGATGCCCT-3'
Protein context (NP_001239031.1, residues 120-140): LFGGIAERKR[Arg130Gln]AQEQGVAGPE